The following is an entry in ClinVar:

NM_032242.4(PLXNA1):c.15G>T (p.Pro5=)

Gene: PLXNA1 (plexin A1; plus strand). Cytogenetic location: 3q21.3.
Variant type: single nucleotide variant.
Coding change: c.15G>T on transcript NM_032242.4 (MANE Select); coding-DNA position 15, G replaced by T.
Protein change: p.Pro5=; no amino-acid change (proline 5 retained).
Molecular consequence: synonymous variant.
Genome position (GRCh38, 1-based): chr3:126,988,608, G>T. VCF-style: chr3-126988608-G-T. GRCh37 (hg19) VCF-style: chr3-126707451-G-T.
Other names: c.15G>T (NM_032242.3).
Identifiers: ClinVar variation 2654097 (VCV002654097.25), dbSNP rs552827234, ClinGen allele CA435505566.

ClinVar aggregate classification (germline): Likely benign. Review status: criteria provided, single submitter (1 of 4 stars). 2 submissions from 2 submitters: Likely benign (1). 1 of the submissions does not count toward it. Last evaluated 2023-05-01.

Conditions:
PLXNA1-related disorder. Also called: PLXNA1-related condition.

gnomAD v4.1: 23 of 1,538,704 alleles (0.0015%); highest among the groups gnomAD compares: Non-Finnish European, 0.0017%; no homozygotes.

Submissions (2):

CeGaT Center for Human Genetics Tuebingen
Classification: Likely benign. Last evaluated: 2023-05-01. Review status: criteria provided, single submitter. Criteria: CeGaT Center For Human Genetics Tuebingen Variant Classification Criteria Version 2. Collection method: clinical testing. Allele origin: germline. Affected: yes. Observed: 1 variant allele.
Comment: PLXNA1: BP4, BP7

PreventionGenetics, part of Exact Sciences
Classification: Likely benign for PLXNA1-related condition. Last evaluated: 2022-10-24. Review status: no assertion criteria provided. Collection method: clinical testing. Allele origin: germline. Not counted in ClinVar's aggregate classification.
Comment: This variant is classified as likely benign based on ACMG/AMP sequence variant interpretation guidelines (Richards et al. 2015 PMID: 25741868, with internal and published modifications).